The following is an entry in ClinVar:

NM_001191061.2(SLC25A22):c.415G>T (p.Ala139Ser)

Gene: SLC25A22 (solute carrier family 25 member 22; minus strand). Cytogenetic location: 11p15.5.
Variant type: single nucleotide variant.
Coding change: c.415G>T on transcript NM_001191061.2 (MANE Select); coding-DNA position 415, G replaced by T.
Protein change: p.Ala139Ser; replaces alanine 139 with serine.
Molecular consequence: missense variant.
Genome position (GRCh38, 1-based): chr11:792,725, C>A on the plus strand (G>T on the coding strand, the complement: SLC25A22 is on the minus strand). VCF-style: chr11-792725-C-A. GRCh37 (hg19) VCF-style: chr11-792725-C-A.
Other names: c.415G>T, p.Ala139Ser (NM_001191060.2, NM_024698.6); short protein forms A139S.
Identifiers: ClinVar variation 970831 (VCV000970831.5), dbSNP rs544386351, ClinGen allele CA378970280.

ClinVar aggregate classification (germline): Uncertain significance (1 of 4 stars; one submission).

Conditions:
Developmental and epileptic encephalopathy. Identifiers: MedGen C5779964, MONDO:0100620.

gnomAD v4.1: 2 of 1,545,954 alleles (0.00013%); highest among the groups gnomAD compares: African/African-American, 0.0027%; no homozygotes.

Submission:

Labcorp Genetics (formerly Invitae), Labcorp
Classification: Uncertain significance for Early-infantile DEE. Last evaluated: 2021-10-10. Review status: criteria provided, single submitter. Criteria: Invitae Variant Classification Sherloc (09022015). Collection method: clinical testing. Allele origin: germline.
Comment: This sequence change replaces alanine with serine at codon 139 of the SLC25A22 protein (p.Ala139Ser). The alanine residue is highly conserved and there is a moderate physicochemical difference between alanine and serine. This variant is not present in population databases (ExAC no frequency). This variant has not been reported in the literature in individuals affected with SLC25A22-related conditions. Algorithms developed to predict the effect of missense changes on protein structure and function (SIFT, PolyPhen-2, Align-GVGD) all suggest that this variant is likely to be tolerated. In summary, the available evidence is currently insufficient to determine the role of this variant in disease. Therefore, it has been classified as a Variant of Uncertain Significance.